The following is an entry in ClinVar:

ClinVar aggregate classification (germline): Benign (1 of 4 stars; one submission).

Allele frequency attached by ClinVar (database versions not stated): gnomAD exomes 0.00003; TOPMed 0.00032; gnomAD 0.00034.
gnomAD v4.1: 54 of 229,120 alleles (0.024%); highest among the groups gnomAD compares: African/African-American, 0.12%; no homozygotes.

Submission:

CeGaT Center for Human Genetics Tuebingen
Classification: Benign. Last evaluated: 2022-09-01. Review status: criteria provided, single submitter. Criteria: CeGaT Center For Human Genetics Tuebingen Variant Classification Criteria Version 2. Collection method: clinical testing. Allele origin: germline. Affected: yes. Observed: 1 variant allele.
Comment: GRIN2A: BS1, BS2

NM_001134407.3(GRIN2A):c.*3344G>C

Gene: GRIN2A (glutamate ionotropic receptor NMDA type subunit 2A; minus strand). Cytogenetic location: 16p13.2.
Variant type: single nucleotide variant.
Coding change: c.*3344G>C on transcript NM_001134407.3 (MANE Select); 3344 bases downstream of the stop codon, G replaced by C.
Molecular consequence: 3 prime UTR variant.
Genome position (GRCh38, 1-based): chr16:9,759,805, C>G on the plus strand (G>C on the coding strand, the complement: GRIN2A is on the minus strand). VCF-style: chr16-9759805-C-G. GRCh37 (hg19) VCF-style: chr16-9853662-C-G.
Other names: c.*3344G>C (NM_000833.5); c.*3550G>C (NM_001134408.2).
Identifiers: ClinVar variation 2646192 (VCV002646192.24), dbSNP rs913324993, ClinGen allele CA277532689.